The following is an entry in ClinVar:

NM_004519.4(KCNQ3):c.2393A>C (p.Glu798Ala)

Gene: KCNQ3 (potassium voltage-gated channel subfamily Q member 3; minus strand). Cytogenetic location: 8q24.22.
Variant type: single nucleotide variant.
Coding change: c.2393A>C on transcript NM_004519.4 (MANE Select); coding-DNA position 2393, A replaced by C.
Protein change: p.Glu798Ala; replaces glutamic acid 798 with alanine.
Molecular consequence: missense variant.
Genome position (GRCh38, 1-based): chr8:132,129,488, T>G on the plus strand (A>C on the coding strand, the complement: KCNQ3 is on the minus strand). VCF-style: chr8-132129488-T-G. GRCh37 (hg19) VCF-style: chr8-133141735-T-G.
Other names: c.2033A>C, p.Glu678Ala (NM_001204824.2); short protein forms E798A, E678A.
Identifiers: ClinVar variation 568547 (VCV000568547.8), dbSNP rs1563761409, ClinGen allele CA372215995.
Genomic context (GRCh38, chr8:132,129,488, plus strand): 5'-AACACATAATCATCTCTGTCCTGGGAGATGCTGAAGCCACTTGGAGACCTCTCCAGCTCC[T>G]CGTGGTTGACCGACATCAGGGACAGAGGTGTGTCACTGTCTCGCGTGATGCTACGTCTCT-3'
Protein context (NP_004510.1, residues 788-808): TPLSLMSVNH[Glu798Ala]ELERSPSGFS

ClinVar aggregate classification (germline): Uncertain significance (1 of 4 stars; one submission).

Conditions:
Benign neonatal seizures. Also called: Convulsions benign familial neonatal dominant form; Autosomal dominant form of benign neonatal seizures; Benign neonatal familial convulsions; Benign familial neonatal epilepsy; Benign familial neonatal seizures. Identifiers: Orphanet 1949, MedGen C0220669, MONDO:0016027.

Submission:

Labcorp Genetics (formerly Invitae), Labcorp
Classification: Uncertain significance for Benign neonatal seizures. Last evaluated: 2020-02-24. Review status: criteria provided, single submitter. Criteria: Invitae Variant Classification Sherloc (09022015). Collection method: clinical testing. Allele origin: germline.
Comment: In summary, the available evidence is currently insufficient to determine the role of this variant in disease. Therefore, it has been classified as a Variant of Uncertain Significance. Algorithms developed to predict the effect of missense changes on protein structure and function are either unavailable or do not agree on the potential impact of this missense change (SIFT: "Deleterious"; PolyPhen-2: "Possibly Damaging"; Align-GVGD: "Class C0"). This variant has not been reported in the literature in individuals with KCNQ3-related disease. This variant is not present in population databases (ExAC no frequency). This sequence change replaces glutamic acid with alanine at codon 798 of the KCNQ3 protein (p.Glu798Ala). The glutamic acid residue is highly conserved and there is a moderate physicochemical difference between glutamic acid and alanine.